The following is an entry in ClinVar:

NM_020774.4(MIB1):c.1874T>C (p.Val625Ala)

Gene: MIB1 (MIB E3 ubiquitin protein ligase 1; plus strand). Cytogenetic location: 18q11.2.
Variant type: single nucleotide variant.
Coding change: c.1874T>C on transcript NM_020774.4 (MANE Select); coding-DNA position 1874, T replaced by C.
Protein change: p.Val625Ala; replaces valine 625 with alanine.
Molecular consequence: missense variant.
Genome position (GRCh38, 1-based): chr18:21,838,409, T>C. VCF-style: chr18-21838409-T-C. GRCh37 (hg19) VCF-style: chr18-19418370-T-C.
Other names: short protein forms V625A.
Identifiers: ClinVar variation 4054648 (VCV004054648.1).
Genomic context (GRCh38, chr18:21,838,409, plus strand): 5'-TGAATTTAACTTTCAGTGCAATGCGTGTTTTACTATCTAAATTACCAAGACCATGGATTG[T>C]GGATGAGAAGAAAGATGATGGTTATACTGCCTTACATCTGGCTGCCCTTAATAATCACGT-3'
Protein context (NP_065825.1, residues 615-635): LLSKLPRPWI[Val625Ala]DEKKDDGYTA

ClinVar aggregate classification (germline): Uncertain significance (1 of 4 stars; one submission).

Conditions:
Inborn genetic diseases. Identifiers: MedGen C0950123, MeSH D030342.

Submission:

Ambry Genetics
Classification: Uncertain significance for Inborn genetic diseases. Last evaluated: 2025-05-02. Review status: criteria provided, single submitter. Criteria: Ambry Variant Classification Scheme 2023. Collection method: clinical testing. Allele origin: germline.
Comment: The p.V625A variant (also known as c.1874T>C), located in coding exon 13 of the MIB1 gene, results from a T to C substitution at nucleotide position 1874. The valine at codon 625 is replaced by alanine, an amino acid with similar properties. This amino acid position is conserved. In addition, the in silico prediction for this alteration is inconclusive. Based on the available evidence, the clinical significance of this variant remains unclear.